The following is an entry in ClinVar:

ClinVar aggregate classification (germline): Uncertain significance (1 of 4 stars; one submission).

Conditions:
Hereditary spherocytosis type 2. Also called: SPHEROCYTOSIS, TYPE 2, AUTOSOMAL DOMINANT. Identifiers: Orphanet 822, MedGen C2674219, MONDO:0000913, OMIM 616649.

Submission:

Illumina Laboratory Services, Illumina
Classification: Uncertain significance for Hereditary spherocytosis type 2. Last evaluated: 2020-11-03. Review status: criteria provided, single submitter. Criteria: ICSLVariantClassificationCriteria RUGD 01 April 2020. Collection method: clinical testing. Allele origin: unknown.
Comment: The SPTB c.836A>C (p.Lys279Thr) variant is a missense variant. A literature search was performed for the gene, cDNA change, and amino acid change. No publications were found based on this search. This variant is not found in the Genome Aggregation Database in a region of good sequence coverage, so the variant is presumed to be rare. Based on the limited evidence, the p.Lys279Thr variant is classified as a variant of uncertain significance for spherocytosis.

NM_001355436.2(SPTB):c.836A>C (p.Lys279Thr)

Gene: SPTB (spectrin beta, erythrocytic; minus strand). Cytogenetic location: 14q23.3.
Variant type: single nucleotide variant.
Coding change: c.836A>C on transcript NM_001355436.2 (MANE Select); coding-DNA position 836, A replaced by C.
Protein change: p.Lys279Thr; replaces lysine 279 with threonine.
Molecular consequence: missense variant.
Genome position (GRCh38, 1-based): chr14:64,800,796, T>G on the plus strand (A>C on the coding strand, the complement: SPTB is on the minus strand). VCF-style: chr14-64800796-T-G. GRCh37 (hg19) VCF-style: chr14-65267514-T-G.
Other names: c.836A>C, p.Lys279Thr (NM_001024858.4, NM_001355437.2); short protein forms K279T.
Identifiers: ClinVar variation 1199239 (VCV001199239.4), dbSNP rs770880582, ClinGen allele CA390030410.